The following is an entry in ClinVar:

NM_178012.5(TUBB2B):c.1251C>A (p.Asp417Glu)

Gene: TUBB2B (tubulin beta 2B class IIb; minus strand). Cytogenetic location: 6p25.2.
Variant type: single nucleotide variant.
Coding change: c.1251C>A on transcript NM_178012.5 (MANE Select); coding-DNA position 1251, C replaced by A.
Protein change: p.Asp417Glu; replaces aspartic acid 417 with glutamic acid.
Molecular consequence: missense variant.
Genome position (GRCh38, 1-based): chr6:3,224,838, G>T on the plus strand (C>A on the coding strand, the complement: TUBB2B is on the minus strand). VCF-style: chr6-3224838-G-T. GRCh37 (hg19) VCF-style: chr6-3225072-G-T.
Other names: short protein forms D417E.
Identifiers: ClinVar variation 3239435 (VCV003239435.19), dbSNP rs2533616876.

ClinVar aggregate classification (germline): Uncertain significance (1 of 4 stars; one submission).

Submission:

CeGaT Center for Human Genetics Tuebingen
Classification: Uncertain significance. Last evaluated: 2024-05-01. Review status: criteria provided, single submitter. Criteria: CeGaT Center For Human Genetics Tuebingen Variant Classification Criteria Version 2. Collection method: clinical testing. Allele origin: germline. Affected: yes. Observed: 1 variant allele.
Comment: TUBB2B: PM2, PM5:Supporting, PP2